The following is an entry in ClinVar:

ClinVar aggregate classification (germline): Pathogenic. Review status: criteria provided, multiple submitters, no conflicts (2 of 4 stars). 11 submissions from 11 submitters: Pathogenic (6). 5 of the submissions do not count toward it. Last evaluated 2024-01-16.

Conditions:
Tubulinopathy-associated dysgyria. Identifiers: Orphanet 467166, MedGen C5568850, MONDO:0018763.
Tubulinopathy. Also called: Tubulinopathies. Identifiers: MedGen CN850169, MONDO:0100153.
Lissencephaly. Also called: Lissencephaly spectrum disorders. Identifiers: Orphanet 48471, MedGen C0266463, MeSH D054082, MONDO:0018838, HP:0001339.
Lissencephaly due to TUBA1A mutation (CDCBM16). Also called: CORTICAL DYSPLASIA, COMPLEX, WITH OTHER BRAIN MALFORMATIONS 16; Lissencephaly 3. Identifiers: Orphanet 171680, MedGen C4305153, MONDO:0012703, OMIM 611603.

Submissions (11):

GeneDx
Classification: Pathogenic. Last evaluated: 2024-01-16. Review status: criteria provided, single submitter. Criteria: GeneDx Variant Classification Process June 2021. Collection method: clinical testing. Allele origin: germline. Affected: yes.
Comment: Published functional studies demonstrate a damaging effect (PMID: 30517687); Missense variants in this gene are often considered pathogenic (HGMD); Not observed at significant frequency in large population cohorts (gnomAD); In silico analysis supports that this missense variant has a deleterious effect on protein structure/function; This variant is associated with the following publications: (PMID: 24860126, 22264709, 20466733, 20603323, 17218254, 18954413, 29671837, 30744660, 28171541, 22408144, 24510153, 32333414, 24077912, 34958143, 35017693, 30517687, 27535533)

Labcorp Genetics (formerly Invitae), Labcorp
Classification: Pathogenic. Last evaluated: 2023-07-19. Review status: criteria provided, single submitter. Criteria: Invitae Variant Classification Sherloc (09022015). Collection method: clinical testing. Allele origin: germline.
Comment: For these reasons, this variant has been classified as Pathogenic. This variant disrupts the p.Arg402 amino acid residue in TUBA1A. Other variant(s) that disrupt this residue have been determined to be pathogenic (PMID: 20466733, 20603323, 30517687). This suggests that this residue is clinically significant, and that variants that disrupt this residue are likely to be disease-causing. Experimental studies have shown that this missense change affects TUBA1A function (PMID: 20603323, 30517687). Advanced modeling of protein sequence and biophysical properties (such as structural, functional, and spatial information, amino acid conservation, physicochemical variation, residue mobility, and thermodynamic stability) performed at Invitae indicates that this missense variant is not expected to disrupt TUBA1A protein function. ClinVar contains an entry for this variant (Variation ID: 7071). This missense change has been observed in individual(s) with lissencephaly (PMID: 17218254, 20466733, 22408144, 24510153). In at least one individual the variant was observed to be de novo. This variant is not present in population databases (gnomAD no frequency). This sequence change replaces arginine, which is basic and polar, with histidine, which is basic and polar, at codon 402 of the TUBA1A protein (p.Arg402His).

Center for Pediatrics and Adolescent Medicine, University Hospital Heidelberg
Classification: Pathogenic for Tubulinopathy-associated dysgyria. Last evaluated: 2021-11-01. Review status: criteria provided, single submitter. Criteria: ACMG Guidelines, 2015. Collection method: research. Allele origin: de novo. Inheritance: Autosomal dominant inheritance. Affected: yes. Observed: 1 heterozygote. Segregation with disease not observed.

CeGaT Center for Human Genetics Tuebingen
Classification: Pathogenic. Last evaluated: 2018-11-01. Review status: criteria provided, single submitter. Criteria: CeGaT Center For Human Genetics Tuebingen Variant Classification Criteria Version 2. Collection method: clinical testing. Allele origin: germline. Affected: yes. Observed: 3 variant alleles.

Institute of Human Genetics, FAU Erlangen, Friedrich-Alexander-Universität Erlangen-Nürnberg
Classification: Pathogenic for Tubulinopathies. Last evaluated: 2018-07-01. Review status: criteria provided, single submitter. Criteria: ACMG Guidelines, 2015. Collection method: literature only. Allele origin: de novo. Affected: yes. Observed: 11 variant alleles.
Comment: The c.1205G>A, p.(Arg402His) variant has been reported as a variant of de novo origin. This variant and associated phenotype was previously reported by Keays et al. Cell, 2007 PMID: 17218254. Agyria (HP:0031882); Cerebellar vermis hypoplasia (HP:0001320); Hypoplasia of the brainstem (HP:0002365); Cerebellar hypoplasia (HP:0001321); Hypoplastic hippocampus (HP:0025517); Dilation of lateral ventricles (HP:0006956); Gray matter heterotopia (HP:0002281); Congenital microcephaly (HP:0011451); Microcephaly (HP:0000252); Spasticity (HP:0001257); Generalized tonic-clonic seizures (HP:0002069)

Genetic Services Laboratory, University of Chicago
Classification: Pathogenic for Lissencephaly 3. Last evaluated: 2013-06-21. Review status: criteria provided, single submitter. Criteria: ACMG Guidelines, 2007. Collection method: clinical testing. Allele origin: germline. Inheritance: Autosomal dominant inheritance. Affected: yes.

OMIM
Classification: Pathogenic for CORTICAL DYSPLASIA, COMPLEX, WITH OTHER BRAIN MALFORMATIONS 16. Last evaluated: 2010-09-15. Review status: no assertion criteria provided. Collection method: literature only. Allele origin: germline. Not counted in ClinVar's aggregate classification.

Clinical Genetics DNA and cytogenetics Diagnostics Lab, Erasmus MC, Erasmus Medical Center
Classification: Pathogenic. Review status: no assertion criteria provided. Collection method: clinical testing. Allele origin: germline. Affected: yes. Study: VKGL Data-share Consensus. Not counted in ClinVar's aggregate classification.

GeneReviews
No classification provided. Condition: Lissencephaly type 3. Review status: no classification provided. Collection method: literature only. Allele origin: germline. Affected: yes. Not counted in ClinVar's aggregate classification.
Comment: Classic lissencephaly

Joint Genome Diagnostic Labs from Nijmegen and Maastricht, Radboudumc and MUMC+
Classification: Pathogenic. Review status: no assertion criteria provided. Collection method: clinical testing. Allele origin: germline. Affected: yes. Study: VKGL Data-share Consensus. Not counted in ClinVar's aggregate classification.

University of Washington Center for Mendelian Genomics, University of Washington
Classification: Likely pathogenic for lissencephaly. Review status: no assertion criteria provided. Collection method: research. Allele origin: unknown. Affected: yes. Not counted in ClinVar's aggregate classification.

Literature cited by the submitters: PubMed 20466733 (cited by 3 submitters); PubMed 20603323 (cited by Labcorp Genetics (formerly Invitae), Labcorp and OMIM); PubMed 30517687 (cited by Labcorp Genetics (formerly Invitae), Labcorp and OMIM); PubMed 17218254 (cited by 3 submitters); PubMed 22408144 (cited by Labcorp Genetics (formerly Invitae), Labcorp and Center for Pediatrics and Adolescent Medicine, University Hospital Heidelberg); PubMed 24510153 (cited by Labcorp Genetics (formerly Invitae), Labcorp and Center for Pediatrics and Adolescent Medicine, University Hospital Heidelberg); PubMed 24860126 (cited by Center for Pediatrics and Adolescent Medicine, University Hospital Heidelberg); PubMed 29671837 (cited by Center for Pediatrics and Adolescent Medicine, University Hospital Heidelberg and University of Washington Center for Mendelian Genomics, University of Washington); PubMed 30744660 (cited by Institute of Human Genetics, FAU Erlangen, Friedrich-Alexander-Universität Erlangen-Nürnberg); DOI 10.1101/427948 (cited by Institute of Human Genetics, FAU Erlangen, Friedrich-Alexander-Universität Erlangen-Nürnberg); PubMed 17584854 (cited by OMIM); PubMed 33137126 (cited by OMIM); PubMed 18728072 (cited by GeneReviews); NCBI Bookshelf NBK350554 (cited by GeneReviews).

NM_006009.4(TUBA1A):c.1205G>A (p.Arg402His)

Gene: TUBA1A (tubulin alpha 1a; minus strand). Cytogenetic location: 12q13.12.
Variant type: single nucleotide variant.
Coding change: c.1205G>A on transcript NM_006009.4 (MANE Select); coding-DNA position 1205, G replaced by A.
Protein change: p.Arg402His; replaces arginine 402 with histidine.
Molecular consequence: missense variant.
Genome position (GRCh38, 1-based): chr12:49,185,161, C>T on the plus strand (G>A on the coding strand, the complement: TUBA1A is on the minus strand). VCF-style: chr12-49185161-C-T. GRCh37 (hg19) VCF-style: chr12-49578944-C-T.
Other names: c.1205G>A, p.Arg402His (NM_001270399.2); c.1100G>A, p.Arg367His (NM_001270400.2); short protein forms R402H, R367H.
Identifiers: ClinVar variation 7071 (VCV000007071.66), dbSNP rs137853044, ClinGen allele CA213154.